The following is an entry in ClinVar:

ClinVar aggregate classification (germline): Uncertain significance. Review status: criteria provided, multiple submitters, no conflicts (2 of 4 stars). 2 submissions from 2 submitters: Uncertain significance (2). Last evaluated 2025-12-24.

Conditions:
Idiopathic generalized epilepsy. Also called: EIG; Generalised epilepsy. Identifiers: MedGen C0270850, MONDO:0005579, OMIM 600669.

Allele frequency attached by ClinVar (database versions not stated): TOPMed 0.00002.
gnomAD v4.1: 26 of 1,613,588 alleles (0.0016%); highest among the groups gnomAD compares: Admixed American, 0.027%; no homozygotes.

Submissions (2):

Labcorp Genetics (formerly Invitae), Labcorp
Classification: Uncertain significance for Idiopathic generalized epilepsy. Last evaluated: 2025-12-24. Review status: criteria provided, single submitter. Criteria: Invitae Variant Classification Sherloc (09022015). Collection method: clinical testing. Allele origin: germline.
Comment: This sequence change replaces alanine, which is neutral and non-polar, with proline, which is neutral and non-polar, at codon 366 of the RBFOX1 protein (p.Ala366Pro). This variant is present in population databases (rs150941982, gnomAD 0.04%), and has an allele count higher than expected for a pathogenic variant. This variant has not been reported in the literature in individuals affected with RBFOX1-related conditions. ClinVar contains an entry for this variant (Variation ID: 460028). An algorithm developed to predict the effect of missense changes on protein structure and function (PolyPhen-2) suggests that this variant is likely to be tolerated. In summary, the available evidence is currently insufficient to determine the role of this variant in disease. Therefore, it has been classified as a Variant of Uncertain Significance.

Athena Diagnostics
Classification: Uncertain significance. Last evaluated: 2024-11-18. Review status: criteria provided, single submitter. Criteria: Athena Diagnostics Criteria. Collection method: clinical testing. Allele origin: unknown.
Comment: Available data are insufficient to determine the clinical significance of the variant at this time. The frequency of this variant in the general population is uninformative in assessment of its pathogenicity. Polyphen and MutationTaster predict this amino acid change may be benign.

Literature cited by the submitters: PubMed 23468642 (cited by Athena Diagnostics).

NM_018723.4(RBFOX1):c.1033G>C (p.Ala345Pro)

Genes: RBFOX1 (RNA binding fox-1 homolog 1; plus strand), LOC126862279 (MED14-independent group 3 enhancer GRCh37_chr16:7758954-7760153; plus strand). Cytogenetic location: 16p13.3.
Variant type: single nucleotide variant.
Coding change: c.1033G>C on transcript NM_018723.4 (MANE Select); coding-DNA position 1033, G replaced by C.
Protein change: p.Ala345Pro; replaces alanine 345 with proline.
Molecular consequence: missense variant. On other transcripts: synonymous variant (2).
Genome position (GRCh38, 1-based): chr16:7,709,093, G>C. VCF-style: chr16-7709093-G-C. GRCh37 (hg19) VCF-style: chr16-7759095-G-C.
Other names: c.952G>C, p.Ala318Pro (NM_001142333.2); c.1033G>C, p.Ala345Pro (NM_001142334.2); c.1162G>C, p.Ala388Pro (NM_001308117.1); c.1086G>C, p.Thr362= (NM_001364800.2); c.1096G>C, p.Ala366Pro (NM_145891.3, NM_145892.3); c.1149G>C, p.Thr383= (NM_145893.3); short protein forms A366P, A345P, A388P, A318P.
Identifiers: ClinVar variation 460028 (VCV000460028.10), dbSNP rs150941982, ClinGen allele CA7891959.